The following is an entry in ClinVar:

NM_004304.5(ALK):c.1415-4A>G

Gene: ALK (ALK receptor tyrosine kinase; minus strand). Cytogenetic location: 2p23.2.
Variant type: single nucleotide variant.
Coding change: c.1415-4A>G on transcript NM_004304.5 (MANE Select); 4 bases into the intron before coding-DNA position 1415, A replaced by G.
Molecular consequence: intron variant.
Genome position (GRCh38, 1-based): chr2:29,320,886, T>C on the plus strand (A>G on the coding strand, the complement: ALK is on the minus strand). VCF-style: chr2-29320886-T-C. GRCh37 (hg19) VCF-style: chr2-29543752-T-C.
Other names: c.1415-4A>G (NM_004304.4).
Identifiers: ClinVar variation 1108500 (VCV001108500.12), dbSNP rs769450437, ClinGen allele CA1594647.
Genomic context (GRCh38, chr2:29,320,886, plus strand): 5'-GGGTCCAGCCACAGAAGCCATCTTCAAAGTTGCAGTAAAAACCCACAGGCAGTTTCCCTA[T>C]GGAGAGAGCAGAGAGGCACCATCATTTTCAGGACCACTAAAGGCAAAATATGCCAATGCC-3'

ClinVar aggregate classification (germline): Conflicting classifications of pathogenicity. Review status: criteria provided, conflicting classifications (1 of 4 stars). 3 submissions from 3 submitters: Uncertain significance (1); Likely benign (2). Last evaluated 2025-11-18.

Conditions:
Hereditary cancer-predisposing syndrome. Also called: Hereditary Cancer Syndrome; Hereditary neoplastic syndrome; Neoplastic Syndromes, Hereditary; Tumor predisposition. Identifiers: Orphanet 140162, MedGen C0027672, MeSH D009386, MONDO:0015356.
Neuroblastoma, susceptibility to, 3. Also called: ALK-Related Neuroblastic Tumor Susceptibility. Identifiers: Orphanet 635, MedGen C2751681, MONDO:0013083, OMIM 613014.

Allele frequency attached by ClinVar (database versions not stated): gnomAD 0.00003 and 0.00004; gnomAD exomes 0.00001; ExAC 0.00001; TOPMed 0.00003.
gnomAD v4.1: 14 of 1,614,020 alleles (0.00087%); highest among the groups gnomAD compares: African/African-American, 0.013%; no homozygotes.

Submissions (3):

Dasa
Classification: Uncertain significance. Last evaluated: 2025-11-18. Review status: criteria provided, single submitter. Criteria: DASA Assertion Criteria. Collection method: clinical testing. Allele origin: germline.
Comment: NM_004304.5(ALK):c.1415-4A>G is a splice-region variant. This variant is rare in population databases. Computational prediction algorithms are consistent with a benign effect. The currently available literature and clinical evidence are not sufficient to establish a definitive association between this variant and the reported condition. Therefore, this variant is classified as a variant of uncertain significance.

Labcorp Genetics (formerly Invitae), Labcorp
Classification: Likely benign for Neuroblastoma, susceptibility to, 3. Last evaluated: 2025-11-09. Review status: criteria provided, single submitter. Criteria: Invitae Variant Classification Sherloc (09022015). Collection method: clinical testing. Allele origin: germline.

Ambry Genetics
Classification: Likely benign for Hereditary cancer-predisposing syndrome. Last evaluated: 2024-12-06. Review status: criteria provided, single submitter. Criteria: Ambry Variant Classification Scheme 2023. Collection method: clinical testing. Allele origin: germline.